The following is an entry in ClinVar:

NM_006059.4(LAMC3):c.2413C>A (p.Gln805Lys)

Gene: LAMC3 (laminin subunit gamma 3; plus strand). Cytogenetic location: 9q34.12.
Variant type: single nucleotide variant.
Coding change: c.2413C>A on transcript NM_006059.4 (MANE Select); coding-DNA position 2413, C replaced by A.
Protein change: p.Gln805Lys; replaces glutamine 805 with lysine.
Molecular consequence: missense variant.
Genome position (GRCh38, 1-based): chr9:131,067,025, C>A. VCF-style: chr9-131067025-C-A. GRCh37 (hg19) VCF-style: chr9-133942412-C-A.
Other names: short protein forms Q805K.
Identifiers: ClinVar variation 4732266 (VCV004732266.1).

ClinVar aggregate classification (germline): Uncertain significance (1 of 4 stars; one submission).

Submission:

Labcorp Genetics (formerly Invitae), Labcorp
Classification: Uncertain significance. Last evaluated: 2025-12-01. Review status: criteria provided, single submitter. Criteria: Invitae Variant Classification Sherloc (09022015). Collection method: clinical testing. Allele origin: germline.
Comment: This sequence change replaces glutamine, which is neutral and polar, with lysine, which is basic and polar, at codon 805 of the LAMC3 protein (p.Gln805Lys). This variant is not present in population databases (gnomAD no frequency). This variant has not been reported in the literature in individuals affected with LAMC3-related conditions. An algorithm developed to predict the effect of missense changes on protein structure and function outputs the following: PolyPhen-2: "Benign". The lysine amino acid residue is found in multiple mammalian species, which suggests that this missense change does not adversely affect protein function. In summary, the available evidence is currently insufficient to determine the role of this variant in disease. Therefore, it has been classified as a Variant of Uncertain Significance.